The following is an entry in ClinVar:

NM_002427.4(MMP13):c.438C>T (p.Ser146=)

Gene: MMP13 (matrix metallopeptidase 13; minus strand). Cytogenetic location: 11q22.2.
Variant type: single nucleotide variant.
Coding change: c.438C>T on transcript NM_002427.4 (MANE Select); coding-DNA position 438, C replaced by T.
Protein change: p.Ser146=; no amino-acid change (serine 146 retained).
Molecular consequence: synonymous variant.
Genome position (GRCh38, 1-based): chr11:102,954,531, G>A on the plus strand (C>T on the coding strand, the complement: MMP13 is on the minus strand). VCF-style: chr11-102954531-G-A. GRCh37 (hg19) VCF-style: chr11-102825260-G-A.
Identifiers: ClinVar variation 196346 (VCV000196346.19), dbSNP rs17860530, ClinGen allele CA243265.

ClinVar aggregate classification (germline): Conflicting classifications of pathogenicity. Review status: criteria provided, conflicting classifications (1 of 4 stars). 5 submissions from 4 submitters: Uncertain significance (2); Benign (1); Likely benign (2). Last evaluated 2024-12-12.

Conditions:
Metaphyseal anadysplasia. Also called: Early-onset regressive form of metaphyseal dysplasia. Identifiers: Orphanet 1040, MedGen C0432226, MONDO:0015177.
Spondyloepimetaphyseal dysplasia, Missouri type. Identifiers: Orphanet 1040, Orphanet 93356, MedGen C1865832, MONDO:0011198, OMIM 602111.

Allele frequency attached by ClinVar (database versions not stated): 1000 Genomes Project 30x 0.00016; 1000 Genomes Project 0.00020; gnomAD exomes 0.00021; ExAC 0.00022; gnomAD 0.00036 and 0.00037; TOPMed 0.00038; ESP Exome Variant Server 0.00062.
gnomAD v4.1: 302 of 1,613,450 alleles (0.019%); highest among the groups gnomAD compares: African/African-American, 0.085%; no homozygotes.

Submissions (5):

Labcorp Genetics (formerly Invitae), Labcorp
Classification: Likely benign. Last evaluated: 2024-12-12. Review status: criteria provided, single submitter. Criteria: Invitae Variant Classification Sherloc (09022015). Collection method: clinical testing. Allele origin: germline.

Blueprint Genetics
Classification: Likely benign. Last evaluated: 2024-08-28. Review status: criteria provided, single submitter. Criteria: ACMG Guidelines, 2015. Collection method: clinical testing. Allele origin: germline.

Illumina Laboratory Services, Illumina
Classification: Benign for Metaphyseal anadysplasia. Last evaluated: 2018-01-13. Review status: criteria provided, single submitter. Criteria: ICSL Variant Classification Criteria 13 December 2019. Collection method: clinical testing. Allele origin: germline.
Comment: This variant was observed in the ICSL laboratory as part of a predisposition screen in an ostensibly healthy population. It had not been previously curated by ICSL or reported in the Human Gene Mutation Database (HGMD: prior to June 1st, 2018), and was therefore a candidate for classification through an automated scoring system. Utilizing variant allele frequency, disease prevalence and penetrance estimates, and inheritance mode, an automated score was calculated to assess if this variant is too frequent to cause the disease. Based on the score and internal cut-off values, a variant classified as benign is not then subjected to further curation. The score for this variant resulted in a classification of benign for this disease.

Illumina Laboratory Services, Illumina
Classification: Uncertain significance for Spondyloepimetaphyseal dysplasia, Missouri type. Last evaluated: 2018-01-13. Review status: criteria provided, single submitter. Criteria: ICSL Variant Classification Criteria 13 December 2019. Collection method: clinical testing. Allele origin: germline.

Eurofins Ntd Llc (ga)
Classification: Uncertain significance. Last evaluated: 2015-02-10. Review status: criteria provided, single submitter. Criteria: EGL Classification Definitions 2015. Collection method: clinical testing. Allele origin: germline. Observed: 1 variant allele, 1 heterozygote.